The following is an entry in ClinVar:

ClinVar aggregate classification (germline): Benign (1 of 4 stars; one submission).

Conditions:
Coxopodopatellar syndrome. Also called: ISCHIOPATELLAR DYSPLASIA; SCOTT-TAOR SYNDROME; Small patella syndrome; ISCHIOCOXOPODOPATELLAR SYNDROME; PATELLA APLASIA, COXA VARA, AND TARSAL SYNOSTOSIS; ISCHIOCOXOPODOPATELLAR SYNDROME WITH OR WITHOUT PULMONARY ARTERIAL HYPERTENSION. Identifiers: Orphanet 1509, MedGen C1840061, MONDO:0007841, OMIM 147891.

Allele frequency attached by ClinVar (database versions not stated): TOPMed below 0.00001; gnomAD exomes 0.00002 and 0.00003; ExAC 0.00003; gnomAD 0.00003.
gnomAD v4.1: 29 of 1,613,848 alleles (0.0018%); highest among the groups gnomAD compares: Admixed American, 0.012%; no homozygotes.

Submission:

Illumina Laboratory Services, Illumina
Classification: Benign for Coxopodopatellar syndrome. Last evaluated: 2018-01-12. Review status: criteria provided, single submitter. Criteria: ICSL Variant Classification Criteria 13 December 2019. Collection method: clinical testing. Allele origin: germline.
Comment: This variant was observed in the ICSL laboratory as part of a predisposition screen in an ostensibly healthy population. It had not been previously curated by ICSL or reported in the Human Gene Mutation Database (HGMD: prior to June 1st, 2018), and was therefore a candidate for classification through an automated scoring system. Utilizing variant allele frequency, disease prevalence and penetrance estimates, and inheritance mode, an automated score was calculated to assess if this variant is too frequent to cause the disease. Based on the score and internal cut-off values, a variant classified as benign is not then subjected to further curation. The score for this variant resulted in a classification of benign for this disease.

NM_001321120.2(TBX4):c.*8G>A

Gene: TBX4 (T-box transcription factor 4; plus strand). Cytogenetic location: 17q23.2.
Variant type: single nucleotide variant.
Coding change: c.*8G>A on transcript NM_001321120.2 (MANE Select); 8 bases downstream of the stop codon, G replaced by A.
Molecular consequence: 3 prime UTR variant.
Genome position (GRCh38, 1-based): chr17:61,483,524, G>A. VCF-style: chr17-61483524-G-A. GRCh37 (hg19) VCF-style: chr17-59560885-G-A.
Other names: c.*8G>A (NM_018488.3).
Identifiers: ClinVar variation 890137 (VCV000890137.4), dbSNP rs781095471, ClinGen allele CA8690140.